The following is an entry in ClinVar:

NM_000492.4(CFTR):c.4085G>A (p.Ser1362Asn)

Gene: CFTR (CF transmembrane conductance regulator; plus strand). Cytogenetic location: 7q31.2.
Variant type: single nucleotide variant.
Coding change: c.4085G>A on transcript NM_000492.4 (MANE Select); coding-DNA position 4085, G replaced by A.
Protein change: p.Ser1362Asn; replaces serine 1362 with asparagine.
Molecular consequence: missense variant.
Genome position (GRCh38, 1-based): chr7:117,664,809, G>A. VCF-style: chr7-117664809-G-A. GRCh37 (hg19) VCF-style: chr7-117304863-G-A.
Other names: short protein forms S1362N.
Identifiers: ClinVar variation 439082 (VCV000439082.7), dbSNP rs777892053, ClinGen allele CA4451625.

ClinVar aggregate classification (germline): Uncertain significance. Review status: criteria provided, multiple submitters, no conflicts (2 of 4 stars). 5 submissions from 5 submitters: Uncertain significance (4). 1 of the submissions does not count toward it. Last evaluated 2024-09-27.

Conditions:
CFTR-related disorder (CFTR-RD). Also called: CFTR-related disorders; CFTR-related condition. Identifiers: MedGen C5924204, MONDO:7770004.
Cystic fibrosis (CF). Also called: MUCOVISCIDOSIS. Identifiers: Orphanet 586, MedGen C0010674, MONDO:0009061, OMIM 219700. Disease mechanism: loss of function.

Allele frequency attached by ClinVar (database versions not stated): TOPMed 0.00001.
gnomAD v4.1: 5 of 1,614,048 alleles (0.00031%); highest among the groups gnomAD compares: Admixed American, 0.0083%; no homozygotes.

Submissions (5):

Ambry Genetics
Classification: Uncertain significance for Cystic fibrosis. Last evaluated: 2024-09-27. Review status: criteria provided, single submitter. Criteria: Ambry Variant Classification Scheme 2023. Collection method: clinical testing. Allele origin: germline.
Comment: The p.S1362N variant (also known as c.4085G>A), located in coding exon 25 of the CFTR gene, results from a G to A substitution at nucleotide position 4085. The serine at codon 1362 is replaced by asparagine, an amino acid with highly similar properties. This amino acid position is highly conserved in available vertebrate species. In addition, the in silico prediction for this alteration is inconclusive. Based on the available evidence, the clinical significance of this variant remains unclear.

Genome-Nilou Lab
Classification: Uncertain significance for Cystic fibrosis. Last evaluated: 2021-09-05. Review status: criteria provided, single submitter. Criteria: ACMG Guidelines, 2015. Collection method: clinical testing. Allele origin: germline. Affected: no.

Women's Health and Genetics/Laboratory Corporation of America, LabCorp
Classification: Uncertain significance. Last evaluated: 2020-01-13. Review status: criteria provided, single submitter. Criteria: LabCorp Variant Classification Summary - May 2015. Collection method: clinical testing. Allele origin: germline.
Comment: Variant summary: CFTR c.4085G>A (p.Ser1362Asn) results in a conservative amino acid change located in the ABC transporter-like (IPR003439) of the encoded protein sequence. Four of five in-silico tools predict a damaging effect of the variant on protein function. The variant allele was found at a frequency of 8e-06 in 251270 control chromosomes (gnomAD). The available data on variant occurrences in the general population are insufficient to allow any conclusion about variant significance. To our knowledge, no occurrence of c.4085G>A in individuals affected with Cystic Fibrosis and no experimental evidence demonstrating its impact on protein function have been reported. One ClinVar submitter (evaluation after 2014) cites the variant as uncertain significance. Based on the evidence outlined above, the variant was classified as uncertain significance.

Quest Diagnostics Nichols Institute San Juan Capistrano
Classification: Uncertain significance. Last evaluated: 2017-07-05. Review status: criteria provided, single submitter. Criteria: Quest Diagnostics criteria. Collection method: clinical testing. Allele origin: germline.

Natera, Inc.
Classification: Uncertain significance for CFTR-related disorders. Last evaluated: 2018-10-06. Review status: no assertion criteria provided. Collection method: clinical testing. Allele origin: germline. Not counted in ClinVar's aggregate classification.